The following is an entry in ClinVar:

NM_004727.3(SLC24A1):c.2813T>C (p.Val938Ala)

Gene: SLC24A1 (solute carrier family 24 member 1; plus strand). Cytogenetic location: 15q22.31.
Variant type: single nucleotide variant.
Coding change: c.2813T>C on transcript NM_004727.3 (MANE Select); coding-DNA position 2813, T replaced by C.
Protein change: p.Val938Ala; replaces valine 938 with alanine.
Molecular consequence: missense variant. On other transcripts: intron variant (1).
Genome position (GRCh38, 1-based): chr15:65,651,689, T>C. VCF-style: chr15-65651689-T-C. GRCh37 (hg19) VCF-style: chr15-65944027-T-C.
Other names: c.794T>C, p.Val265Ala (NM_001254740.2); c.2759T>C, p.Val920Ala (NM_001301032.1, NM_001301033.2); c.2471T>C, p.Val824Ala (NM_001411142.1); c.2793+747T>C (NM_001301031.1); short protein forms V824A, V920A, V938A, V265A.
Identifiers: ClinVar variation 1952625 (VCV001952625.5), dbSNP rs376493994, ClinGen allele CA7620221.

ClinVar aggregate classification (germline): Uncertain significance (1 of 4 stars; one submission).

Allele frequency attached by ClinVar (database versions not stated): ESP Exome Variant Server 0.00008.

Submission:

Labcorp Genetics (formerly Invitae), Labcorp
Classification: Uncertain significance. Last evaluated: 2022-08-20. Review status: criteria provided, single submitter. Criteria: Invitae Variant Classification Sherloc (09022015). Collection method: clinical testing. Allele origin: germline.
Comment: This variant has not been reported in the literature in individuals affected with SLC24A1-related conditions. This variant is present in population databases (rs376493994, gnomAD 0.0009%). This sequence change replaces valine, which is neutral and non-polar, with alanine, which is neutral and non-polar, at codon 938 of the SLC24A1 protein (p.Val938Ala). In summary, the available evidence is currently insufficient to determine the role of this variant in disease. Therefore, it has been classified as a Variant of Uncertain Significance. Algorithms developed to predict the effect of missense changes on protein structure and function (SIFT, PolyPhen-2, Align-GVGD) all suggest that this variant is likely to be tolerated.